The following is an entry in ClinVar:

NM_005235.3(ERBB4):c.320G>A (p.Gly107Glu)

Gene: ERBB4 (erb-b2 receptor tyrosine kinase 4; minus strand). Cytogenetic location: 2q34.
Variant type: single nucleotide variant.
Coding change: c.320G>A on transcript NM_005235.3 (MANE Select); coding-DNA position 320, G replaced by A.
Protein change: p.Gly107Glu; replaces glycine 107 with glutamic acid.
Molecular consequence: missense variant.
Genome position (GRCh38, 1-based): chr2:211,947,531, C>T on the plus strand (G>A on the coding strand, the complement: ERBB4 is on the minus strand). VCF-style: chr2-211947531-C-T. GRCh37 (hg19) VCF-style: chr2-212812256-C-T.
Other names: c.320G>A, p.Gly107Glu (NM_001042599.2); short protein forms G107E.
Identifiers: ClinVar variation 3618260 (VCV003618260.1).

ClinVar aggregate classification (germline): Uncertain significance (1 of 4 stars; one submission).

Submission:

Labcorp Genetics (formerly Invitae), Labcorp
Classification: Uncertain significance. Last evaluated: 2024-03-20. Review status: criteria provided, single submitter. Criteria: Invitae Variant Classification Sherloc (09022015). Collection method: clinical testing. Allele origin: germline.
Comment: This sequence change replaces glycine, which is neutral and non-polar, with glutamic acid, which is acidic and polar, at codon 107 of the ERBB4 protein (p.Gly107Glu). This variant is not present in population databases (gnomAD no frequency). This variant has not been reported in the literature in individuals affected with ERBB4-related conditions. Advanced modeling of protein sequence and biophysical properties (such as structural, functional, and spatial information, amino acid conservation, physicochemical variation, residue mobility, and thermodynamic stability) performed at Invitae indicates that this missense variant is expected to disrupt ERBB4 protein function with a positive predictive value of 80%. In summary, the available evidence is currently insufficient to determine the role of this variant in disease. Therefore, it has been classified as a Variant of Uncertain Significance.